The following is an entry in ClinVar:

ClinVar aggregate classification (germline): Benign/Likely benign. Review status: criteria provided, multiple submitters, no conflicts (2 of 4 stars). 4 submissions from 4 submitters: Benign (1); Likely benign (2). 1 of the submissions does not count toward it. Last evaluated 2026-01-28.

Conditions:
STXBP2-related disorder. Also called: STXBP2-related condition.
Familial hemophagocytic lymphohistiocytosis 5. Also called: STXBP2-Related Familial Hemophagocytic Lymphohistiocytosis (STXBP2-fHLH). Identifiers: Orphanet 540, MedGen C2751293, MONDO:0013135, OMIM 613101.

Allele frequency attached by ClinVar (database versions not stated): ESP Exome Variant Server 0.00008; gnomAD exomes 0.00012 and 0.00016; gnomAD 0.00013 and 0.00014; TOPMed 0.00014; ExAC 0.00016.
gnomAD v4.1: 196 of 1,614,178 alleles (0.012%); highest among the groups gnomAD compares: Middle Eastern, 0.082%; 1 homozygote.

Submissions (4):

Labcorp Genetics (formerly Invitae), Labcorp
Classification: Benign for Familial hemophagocytic lymphohistiocytosis 5. Last evaluated: 2026-01-28. Review status: criteria provided, single submitter. Criteria: Invitae Variant Classification Sherloc (09022015). Collection method: clinical testing. Allele origin: germline.

Blueprint Genetics
Classification: Likely benign. Last evaluated: 2024-11-19. Review status: criteria provided, single submitter. Criteria: ACMG Guidelines, 2015. Collection method: clinical testing. Allele origin: germline.

CeGaT Center for Human Genetics Tuebingen
Classification: Likely benign. Last evaluated: 2022-08-01. Review status: criteria provided, single submitter. Criteria: CeGaT Center For Human Genetics Tuebingen Variant Classification Criteria Version 2. Collection method: clinical testing. Allele origin: germline. Affected: yes. Observed: 1 variant allele.
Comment: STXBP2: BP4, BP7

PreventionGenetics, part of Exact Sciences
Classification: Likely benign for STXBP2-related condition. Last evaluated: 2019-03-21. Review status: no assertion criteria provided. Collection method: clinical testing. Allele origin: germline. Not counted in ClinVar's aggregate classification.
Comment: This variant is classified as likely benign based on ACMG/AMP sequence variant interpretation guidelines (Richards et al. 2015 PMID: 25741868, with internal and published modifications).

NM_006949.4(STXBP2):c.717C>T (p.Pro239=)

Gene: STXBP2 (syntaxin binding protein 2; plus strand). Cytogenetic location: 19p13.2.
Variant type: single nucleotide variant.
Coding change: c.717C>T on transcript NM_006949.4 (MANE Select); coding-DNA position 717, C replaced by T.
Protein change: p.Pro239=; no amino-acid change (proline 239 retained).
Molecular consequence: synonymous variant. On other transcripts: non-coding transcript variant (1).
Genome position (GRCh38, 1-based): chr19:7,642,256, C>T. VCF-style: chr19-7642256-C-T. GRCh37 (hg19) VCF-style: chr19-7707142-C-T.
Other names: c.708C>T, p.Pro236= (NM_001127396.3); c.750C>T, p.Pro250= (NM_001272034.2).
Identifiers: ClinVar variation 726120 (VCV000726120.37), dbSNP rs367755105, ClinGen allele CA9143775.